The following is an entry in ClinVar:

ClinVar aggregate classification (germline): Benign/Likely benign. Review status: criteria provided, multiple submitters, no conflicts (2 of 4 stars). 4 submissions from 4 submitters: Benign (3); Likely benign (1). Last evaluated 2026-02-01.

Conditions:
Congenital adrenal hyperplasia due to cytochrome P450 oxidoreductase deficiency. Also called: DISORDERED STEROIDOGENESIS DUE TO POR DEFICIENCY. Identifiers: Orphanet 95699, MedGen C1860042, MONDO:0013310, OMIM 613571.

Allele frequency attached by ClinVar (database versions not stated): ESP Exome Variant Server 0.00128; gnomAD exomes 0.00142 and 0.00675; gnomAD 0.00363 and 0.00388; TOPMed 0.00657; ExAC 0.00812; 1000 Genomes Project 0.00958; 1000 Genomes Project 30x 0.01031.

Submissions (4):

Labcorp Genetics (formerly Invitae), Labcorp
Classification: Benign for Congenital adrenal hyperplasia due to cytochrome P450 oxidoreductase deficiency. Last evaluated: 2026-02-01. Review status: criteria provided, single submitter. Criteria: Invitae Variant Classification Sherloc (09022015). Collection method: clinical testing. Allele origin: germline.

Blueprint Genetics
Classification: Likely benign. Last evaluated: 2024-11-26. Review status: criteria provided, single submitter. Criteria: ACMG Guidelines, 2015. Collection method: clinical testing. Allele origin: germline.

ARUP Laboratories, Molecular Genetics and Genomics, ARUP Laboratories
Classification: Benign. Last evaluated: 2023-11-22. Review status: criteria provided, single submitter. Criteria: ARUP Molecular Germline Variant Investigation Process 2024. Collection method: clinical testing. Allele origin: germline.

GeneDx
Classification: Benign. Last evaluated: 2017-11-24. Review status: criteria provided, single submitter. Criteria: GeneDx Variant Classification (06012015). Collection method: clinical testing. Allele origin: germline. Affected: yes.
Comment: This variant is considered likely benign or benign based on one or more of the following criteria: it is a conservative change, it occurs at a poorly conserved position in the protein, it is predicted to be benign by multiple in silico algorithms, and/or has population frequency not consistent with disease.

NM_001395413.1(POR):c.508-14_508-13del

Gene: POR (cytochrome p450 oxidoreductase; plus strand). Cytogenetic location: 7q11.23.
Variant type: Deletion.
Coding change: c.508-14_508-13del on transcript NM_001395413.1 (MANE Select); 14 bases into the intron before coding-DNA position 508 through 13 bases into the intron before coding-DNA position 508, 2 bases deleted (CT; older notation c.508-14_508-13delCT).
Molecular consequence: intron variant.
Genome position (GRCh38, 1-based): chr7:75,981,034-75,981,035, CT deleted. VCF-style (leftmost placement, unchanged base first): chr7-75981033-CCT-C. GRCh37 (hg19) VCF-style: chr7-75610351-CCT-C.
Other names: c.508-14_508-13del (NM_001382662.3, NM_001382659.3, NM_001367562.3 and 2 more transcripts); c.562-14_562-13del (NM_001382655.3).
Identifiers: ClinVar variation 360700 (VCV000360700.22), dbSNP rs72557912, ClinGen allele CA4303714.